The following is an entry in ClinVar:

ClinVar aggregate classification (germline): Benign/Likely benign. Review status: criteria provided, multiple submitters, no conflicts (2 of 4 stars). 3 submissions from 3 submitters: Benign (1); Likely benign (2). Last evaluated 2024-04-19.

Conditions:
Hereditary cancer-predisposing syndrome. Also called: Hereditary neoplastic syndrome; Neoplastic Syndromes, Hereditary; Tumor predisposition; Hereditary Cancer Syndrome. Identifiers: Orphanet 140162, MedGen C0027672, MeSH D009386, MONDO:0015356.
Familial cancer of breast. Also called: BREAST CANCER, FAMILIAL; Hereditary breast cancer; hereditary breast carcinoma. Identifiers: Orphanet 227535, MedGen C0346153, MONDO:0016419, OMIM 114480. Disease mechanism: loss of function.
Ataxia-telangiectasia syndrome (AT). Also called: LOUIS-BAR SYNDROME; Cerebello-oculocutaneous telangiectasia; Immunodeficiency with ataxia telangiectasia; AT, COMPLEMENTATION GROUP C; Ataxia-telangiectasia, complementation group D; ATAXIA-TELANGIECTASIA, COMPLEMENTATION GROUP A. Identifiers: Orphanet 100, MedGen C0004135, MONDO:0008840, OMIM 208900.

Allele frequency attached by ClinVar (database versions not stated): gnomAD exomes below 0.00001; ExAC 0.00001.
gnomAD v4.1: 1 of 1,613,766 alleles (0.000062%); highest among the groups gnomAD compares: Non-Finnish European, 0.000085%; no homozygotes.

Submissions (3):

Myriad Genetics, Inc.
Classification: Benign for Familial cancer of breast. Last evaluated: 2024-04-19. Review status: criteria provided, single submitter. Criteria: Myriad Autosomal Dominant, Autosomal Recessive and X-Linked Classification Criteria (2023). Collection method: clinical testing. Allele origin: unknown.
Comment: This variant is considered benign. This variant is a silent/synonymous amino acid change and it is not expected to impact splicing.

Labcorp Genetics (formerly Invitae), Labcorp
Classification: Likely benign for Ataxia-telangiectasia syndrome. Last evaluated: 2022-03-13. Review status: criteria provided, single submitter. Criteria: Invitae Variant Classification Sherloc (09022015). Collection method: clinical testing. Allele origin: germline.

Ambry Genetics
Classification: Likely benign for Hereditary cancer-predisposing syndrome. Last evaluated: 2016-04-21. Review status: criteria provided, single submitter. Criteria: Ambry Variant Classification Scheme 2023. Collection method: clinical testing. Allele origin: germline.

NM_000051.4(ATM):c.435A>G (p.Leu145=)

Gene: ATM (ATM serine/threonine kinase; plus strand). Cytogenetic location: 11q22.3.
Variant type: single nucleotide variant.
Coding change: c.435A>G on transcript NM_000051.4 (MANE Select); coding-DNA position 435, A replaced by G.
Protein change: p.Leu145=; no amino-acid change (leucine 145 retained).
Molecular consequence: synonymous variant.
Genome position (GRCh38, 1-based): chr11:108,235,773, A>G. VCF-style: chr11-108235773-A-G. GRCh37 (hg19) VCF-style: chr11-108106500-A-G.
Other names: c.435A>G, p.Leu145= (NM_001351834.2).
Identifiers: ClinVar variation 481236 (VCV000481236.11), dbSNP rs775476710, ClinGen allele CA6264608.
Genomic context (GRCh38, chr11:108,235,773, plus strand): 5'-GGATACAGTGAAAGATTCATCTAATGGTGCTATTTACGGAGCTGATTGTAGCAACATACT[A>G]CTCAAAGACATTCTTTCTGTGAGAAAATACTGGTGTGAAATATCTCAGCAACAGTGGTTA-3'
Protein context (NP_000042.3, residues 135-155): AIYGADCSNI[Leu145=]LKDILSVRKY